The following is an entry in ClinVar:

NM_000551.4(VHL):c.449del (p.Asn150fs)

Genes: VHL (von Hippel-Lindau tumor suppressor; plus strand), LOC107303340 (3p25 von Hippel-Lindau tumor suppressor, E3 ubiquitin protein ligase Alu-mediated recombination region; plus strand). Cytogenetic location: 3p25.3.
Variant type: Deletion.
Coding change: c.449del on transcript NM_000551.4 (MANE Select); coding-DNA position 449, one base deleted (A; older notation c.449delA).
Protein change: p.Asn150fs; shifts the reading frame from asparagine 150.
Molecular consequence: frameshift variant. On other transcripts: intron variant (2).
Genome position (GRCh38, 1-based): chr3:10,146,622, A deleted; the last of 2 consecutive A bases (chr3:10,146,621-10,146,622); deleting either gives the same sequence. VCF-style (leftmost placement, unchanged base first): chr3-10146620-CA-C. GRCh37 (hg19) VCF-style: chr3-10188304-CA-C.
Other names: c.*18-3165del (NM_001354723.2); c.341-3165del (NM_198156.3); c.449delA (NM_000551.3); short protein forms N150fs.
Identifiers: ClinVar variation 195093 (VCV000195093.15), dbSNP rs794727253, ClinGen allele CA020360.
Genomic context (GRCh38, chr3:10,146,620, plus strand): 5'-GGTTAACCAAACTGAATTATTTGTGCCATCTCTCAATGTTGACGGACAGCCTATTTTTGC[CA>C]ATATCACACTGCCAGGTACTGACGTTTTACTTTTTAAAAAGATAAGGTTGTTGTGGTAAG-3'

ClinVar aggregate classification (germline): Pathogenic/Likely pathogenic. Review status: criteria provided, multiple submitters, no conflicts (2 of 4 stars). 4 submissions from 4 submitters: Pathogenic (3); Likely pathogenic (1). Last evaluated 2023-04-12.

Conditions:
Chuvash polycythemia. Also called: POLYCYTHEMIA, VHL-DEPENDENT. Identifiers: Orphanet 238557, MedGen C1837915, MONDO:0009892, OMIM 263400.
Von Hippel-Lindau syndrome (VHLS). Also called: Von Hippel-Lindau; von Hippel–Lindau syndrome; VHL syndrome. Identifiers: Orphanet 892, MedGen C0019562, MONDO:0008667, OMIM 193300. Disease mechanism: loss of function.

Submissions (4):

Labcorp Genetics (formerly Invitae), Labcorp
Classification: Pathogenic for Von Hippel-Lindau syndrome; Chuvash polycythemia. Last evaluated: 2023-04-12. Review status: criteria provided, single submitter. Criteria: Invitae Variant Classification Sherloc (09022015). Collection method: clinical testing. Allele origin: germline.
Comment: This variant is not present in population databases (gnomAD no frequency). For these reasons, this variant has been classified as Pathogenic. This variant disrupts a region of the VHL protein in which other variant(s) (p.Ser183*) have been determined to be pathogenic (PMID: 8707293, 10567493, 11309459). This suggests that this is a clinically significant region of the protein, and that variants that disrupt it are likely to be disease-causing. ClinVar contains an entry for this variant (Variation ID: 195093). This variant is also known as 661delA. This premature translational stop signal has been observed in individuals with von Hippel-Lindau syndrome (PMID: 7728151, 18067796, 27527340). This sequence change creates a premature translational stop signal (p.Asn150Ilefs*9) in the VHL gene. While this is not anticipated to result in nonsense mediated decay, it is expected to disrupt the last 64 amino acid(s) of the VHL protein.

Clinical Genetics and Genomics, Karolinska University Hospital
Classification: Likely pathogenic. Last evaluated: 2019-01-15. Review status: criteria provided, single submitter. Criteria: ACMG Guidelines, 2015. Collection method: clinical testing. Allele origin: germline. Affected: yes. Observed: 1 variant allele.

Genomic Diagnostic Laboratory, Division of Genomic Diagnostics, Children's Hospital of Philadelphia
Classification: Pathogenic for von Hippel-Lindau syndrome. Last evaluated: 2018-08-01. Review status: criteria provided, single submitter. Criteria: DGD Variant Analysis Guidelines. Collection method: clinical testing. Allele origin: germline. Affected: yes. Observed: 3 variant alleles.

Eurofins Ntd Llc (ga)
Classification: Pathogenic. Last evaluated: 2014-10-09. Review status: criteria provided, single submitter. Criteria: EGL Classification Definitions 2015. Collection method: clinical testing. Allele origin: germline. Observed: 1 variant allele, 1 heterozygote.

Literature cited by the submitters: PubMed 8707293 (cited by Labcorp Genetics (formerly Invitae), Labcorp); PubMed 10567493 (cited by Labcorp Genetics (formerly Invitae), Labcorp); PubMed 11309459 (cited by Labcorp Genetics (formerly Invitae), Labcorp); PubMed 7728151 (cited by Labcorp Genetics (formerly Invitae), Labcorp); PubMed 18067796 (cited by Labcorp Genetics (formerly Invitae), Labcorp); PubMed 27527340 (cited by Labcorp Genetics (formerly Invitae), Labcorp).